The following is an entry in ClinVar:

NM_001854.4(COL11A1):c.275G>T (p.Gly92Val)

Gene: COL11A1 (collagen type XI alpha 1 chain; minus strand). Cytogenetic location: 1p21.1.
Variant type: single nucleotide variant.
Coding change: c.275G>T on transcript NM_001854.4 (MANE Select); coding-DNA position 275, G replaced by T.
Protein change: p.Gly92Val; replaces glycine 92 with valine.
Molecular consequence: missense variant. On other transcripts: non-coding transcript variant (1).
Genome position (GRCh38, 1-based): chr1:103,078,871, C>A on the plus strand (G>T on the coding strand, the complement: COL11A1 is on the minus strand). VCF-style: chr1-103078871-C-A. GRCh37 (hg19) VCF-style: chr1-103544427-C-A.
Other names: c.275G>T, p.Gly92Val (NM_001190709.2, NM_080629.3, NM_080630.4); short protein forms G92V.
Identifiers: ClinVar variation 1312133 (VCV001312133.2), dbSNP rs1372284079, ClinGen allele CA341168092.

ClinVar aggregate classification (germline): Uncertain significance (1 of 4 stars; one submission).

Allele frequency attached by ClinVar (database versions not stated): gnomAD 0.00001; TOPMed 0.00001.
gnomAD v4.1: 6 of 1,601,606 alleles (0.00037%); highest among the groups gnomAD compares: African/African-American, 0.0013%; no homozygotes.

Submission:

GeneDx
Classification: Uncertain significance. Last evaluated: 2019-09-12. Review status: criteria provided, single submitter. Criteria: GeneDx Variant Classification Process June 2021. Collection method: clinical testing. Allele origin: germline. Affected: yes.
Comment: Not observed in large population cohorts (Lek et al., 2016); In silico analysis, which includes protein predictors and evolutionary conservation, supports a deleterious effect; Has not been previously published as pathogenic or benign to our knowledge